The following is an entry in ClinVar:

NM_001385641.1(SAMD11):c.2260C>G (p.Leu754Val)

Gene: SAMD11 (sterile alpha motif domain containing 11; plus strand). Cytogenetic location: 1p36.33.
Variant type: single nucleotide variant.
Coding change: c.2260C>G on transcript NM_001385641.1 (MANE Select); coding-DNA position 2260, C replaced by G.
Protein change: p.Leu754Val; replaces leucine 754 with valine.
Molecular consequence: missense variant.
Genome position (GRCh38, 1-based): chr1:943,779, C>G. VCF-style: chr1-943779-C-G. GRCh37 (hg19) VCF-style: chr1-879159-C-G.
Other names: c.2263C>G, p.Leu755Val (NM_001385640.1); c.1771C>G, p.Leu591Val (NM_152486.4); short protein forms L591V, L754V, L755V.
Identifiers: ClinVar variation 848204 (VCV000848204.5), dbSNP rs914501002, ClinGen allele CA16727610.

ClinVar aggregate classification (germline): Uncertain significance (1 of 4 stars; one submission).

Allele frequency attached by ClinVar (database versions not stated): gnomAD exomes below 0.00001; gnomAD 0.00001; TOPMed 0.00003.
gnomAD v4.1: 3 of 1,612,536 alleles (0.00019%); highest among the groups gnomAD compares: Admixed American, 0.0033%; no homozygotes.

Submission:

Labcorp Genetics (formerly Invitae), Labcorp
Classification: Uncertain significance. Last evaluated: 2022-07-27. Review status: criteria provided, single submitter. Criteria: Invitae Variant Classification Sherloc (09022015). Collection method: clinical testing. Allele origin: germline.
Comment: This sequence change replaces leucine, which is neutral and non-polar, with valine, which is neutral and non-polar, at codon 591 of the SAMD11 protein (p.Leu591Val). This variant is not present in population databases (gnomAD no frequency). This variant has not been reported in the literature in individuals affected with SAMD11-related conditions. ClinVar contains an entry for this variant (Variation ID: 848204). Algorithms developed to predict the effect of missense changes on protein structure and function are either unavailable or do not agree on the potential impact of this missense change (SIFT: "Deleterious"; PolyPhen-2: "Probably Damaging"; Align-GVGD: "Class C0"). Algorithms developed to predict the effect of sequence changes on RNA splicing suggest that this variant may create or strengthen a splice site. In summary, the available evidence is currently insufficient to determine the role of this variant in disease. Therefore, it has been classified as a Variant of Uncertain Significance.